The following is an entry in ClinVar:

NM_001036.6(RYR3):c.9877C>T (p.Arg3293Cys)

Gene: RYR3 (ryanodine receptor 3; plus strand). Cytogenetic location: 15q14.
Variant type: single nucleotide variant.
Coding change: c.9877C>T on transcript NM_001036.6 (MANE Select); coding-DNA position 9877, C replaced by T.
Protein change: p.Arg3293Cys; replaces arginine 3293 with cysteine.
Molecular consequence: missense variant.
Genome position (GRCh38, 1-based): chr15:33,800,816, C>T. VCF-style: chr15-33800816-C-T. GRCh37 (hg19) VCF-style: chr15-34093017-C-T.
Other names: c.9877C>T, p.Arg3293Cys (NM_001243996.4); short protein forms R3293C.
Identifiers: ClinVar variation 565859 (VCV000565859.11), dbSNP rs138636427, ClinGen allele CA7460646.
Genomic context (GRCh38, chr15:33,800,816, plus strand): 5'-ACTTTTGGACCCAGATCTAACTGGCTGAAAAGTCCTGATGCTGATTCTGACCAGCTCTTC[C>T]GCATGGTGGCAGAAGTCTTCATTCTGTGGTGTAAATCTCATGTAAGAACACATTTGGGCC-3'
Protein context (NP_001027.3, residues 3283-3303): SPDADSDQLF[Arg3293Cys]MVAEVFILWC

ClinVar aggregate classification (germline): Uncertain significance (1 of 4 stars; one submission).

Conditions:
Epileptic encephalopathy. Identifiers: MedGen C0543888, HP:0200134.

Allele frequency attached by ClinVar (database versions not stated): 1000 Genomes Project 30x 0.00016; gnomAD exomes 0.00003 and 0.00004; ExAC 0.00005; ESP Exome Variant Server 0.00017; gnomAD 0.00006 and 0.00008; TOPMed 0.00008.
gnomAD v4.1: 71 of 1,613,728 alleles (0.0044%); highest among the groups gnomAD compares: East Asian, 0.089%; no homozygotes.

Submission:

Labcorp Genetics (formerly Invitae), Labcorp
Classification: Uncertain significance for Epileptic encephalopathy. Last evaluated: 2020-06-07. Review status: criteria provided, single submitter. Criteria: Invitae Variant Classification Sherloc (09022015). Collection method: clinical testing. Allele origin: germline.
Comment: This variant is present in population databases (rs138636427, ExAC 0.03%). This variant has not been reported in the literature in individuals with RYR3-related disease. Algorithms developed to predict the effect of missense changes on protein structure and function do not agree on the potential impact of this missense change (SIFT: "Deleterious"; PolyPhen-2: "Possibly Damaging"; Align-GVGD: "Class C0"). In summary, the available evidence is currently insufficient to determine the role of this variant in disease. Therefore, it has been classified as a Variant of Uncertain Significance. This sequence change replaces arginine with cysteine at codon 3293 of the RYR3 protein (p.Arg3293Cys). The arginine residue is highly conserved and there is a large physicochemical difference between arginine and cysteine.